The following is an entry in ClinVar:

ClinVar aggregate classification (germline): Uncertain significance (1 of 4 stars; one submission).

gnomAD v4.1: 14 of 1,489,518 alleles (0.00094%); highest among the groups gnomAD compares: Non-Finnish European, 0.0012%; no homozygotes.

Submission:

GeneDx
Classification: Uncertain significance. Last evaluated: 2023-05-30. Review status: criteria provided, single submitter. Criteria: GeneDx Variant Classification Process June 2021. Collection method: clinical testing. Allele origin: germline. Affected: yes.
Comment: Not observed at significant frequency in large population cohorts (gnomAD); In silico analysis supports that this missense variant has a deleterious effect on protein structure/function; Has not been previously published as pathogenic or benign to our knowledge

NM_001384732.1(CPLANE1):c.845T>A (p.Val282Glu)

Gene: CPLANE1 (ciliogenesis and planar polarity effector complex subunit 1; minus strand). Cytogenetic location: 5p13.2.
Variant type: single nucleotide variant.
Coding change: c.845T>A on transcript NM_001384732.1 (MANE Select); coding-DNA position 845, T replaced by A.
Protein change: p.Val282Glu; replaces valine 282 with glutamic acid.
Molecular consequence: missense variant.
Genome position (GRCh38, 1-based): chr5:37,238,950, A>T on the plus strand (T>A on the coding strand, the complement: CPLANE1 is on the minus strand). VCF-style: chr5-37238950-A-T. GRCh37 (hg19) VCF-style: chr5-37239052-A-T.
Other names: c.845T>A, p.Val282Glu (NM_023073.4); short protein forms V282E.
Identifiers: ClinVar variation 3362059 (VCV003362059.1).
Genomic context (GRCh38, chr5:37,238,950, plus strand): 5'-TTACTACATCCTTTAAGGCTACCACAGAGAGTAACAAAATTCAGTGTGTTTATAAATAAT[A>T]CCTGAGTTGCCTAGAAAGGAAAAAAAAGACAAGAAAACTATTAAAATTATTTTACTGTAA-3'
Protein context (NP_001371661.1, residues 272-292): LNQKDPKATQ[Val282Glu]LFINTLNFVT